The following is an entry in ClinVar:

NM_003985.6(TNK1):c.141C>T (p.Asp47=)

Gene: TNK1 (tyrosine kinase non receptor 1; plus strand). Cytogenetic location: 17p13.1.
Variant type: single nucleotide variant.
Coding change: c.141C>T on transcript NM_003985.6 (MANE Select); coding-DNA position 141, C replaced by T.
Protein change: p.Asp47=; no amino-acid change (aspartic acid 47 retained).
Molecular consequence: synonymous variant.
Genome position (GRCh38, 1-based): chr17:7,383,067, C>T. VCF-style: chr17-7383067-C-T. GRCh37 (hg19) VCF-style: chr17-7286386-C-T.
Other names: c.141C>T, p.Asp47= (NM_001251902.3).
Identifiers: ClinVar variation 3053495 (VCV003053495.2), dbSNP rs373258961, ClinGen allele CA8344840.
Genomic context (GRCh38, chr17:7,383,067, plus strand): 5'-TGAGGAGCTTAATGTCACTCGGCCAGAGCACTTCGACTTTGTAAAGCCTGAGGACCTGGA[C>T]GGCATTGGCATGGGCCGGCCTGGTGAGGGACCCCTGCCCCGAGGCCCTGGTCTCTCTGTC-3'
Protein context (NP_003976.2, residues 37-57): HFDFVKPEDL[Asp47=]GIGMGRPAQR

ClinVar aggregate classification (germline): Likely benign (0 of 4 stars; one submission).

Conditions:
TNK1-related disorder. Also called: TNK1-related condition.

Allele frequency attached by ClinVar (database versions not stated): 1000 Genomes Project 0.00020; TOPMed 0.00021; gnomAD 0.00023; gnomAD exomes 0.00027; ExAC 0.00028; 1000 Genomes Project 30x 0.00031; ESP Exome Variant Server 0.00032.
gnomAD v4.1: 435 of 1,614,004 alleles (0.027%); highest among the groups gnomAD compares: Non-Finnish European, 0.033%; 1 homozygote.

Submission:

PreventionGenetics, part of Exact Sciences
Classification: Likely benign for TNK1-related condition. Last evaluated: 2019-08-20. Review status: no assertion criteria provided. Collection method: clinical testing. Allele origin: germline.
Comment: This variant is classified as likely benign based on ACMG/AMP sequence variant interpretation guidelines (Richards et al. 2015 PMID: 25741868, with internal and published modifications).